The following is an entry in ClinVar:

NM_003000.3(SDHB):c.39G>T (p.Leu13Phe)

Gene: SDHB (succinate dehydrogenase complex iron sulfur subunit B; minus strand). Cytogenetic location: 1p36.13.
Variant type: single nucleotide variant.
Coding change: c.39G>T on transcript NM_003000.3 (MANE Select); coding-DNA position 39, G replaced by T.
Protein change: p.Leu13Phe; replaces leucine 13 with phenylalanine.
Molecular consequence: missense variant.
Genome position (GRCh38, 1-based): chr1:17,053,981, C>A on the plus strand (G>T on the coding strand, the complement: SDHB is on the minus strand). VCF-style: chr1-17053981-C-A. GRCh37 (hg19) VCF-style: chr1-17380476-C-A.
Other names: short protein forms L13F.
Identifiers: ClinVar variation 239431 (VCV000239431.8), dbSNP rs201745731, ClinGen allele CA10581755.

ClinVar aggregate classification (germline): Uncertain significance (1 of 4 stars; one submission).

Conditions:
Gastrointestinal stromal tumor. Also called: Gastrointestinal stromal tumor, somatic; Gastrointestinal stroma tumor. Identifiers: Orphanet 44890, MedGen C0238198, MeSH D046152, MONDO:0011719, OMIM 606764, HP:0100723.
Pheochromocytoma. Also called: MAX-Related Hereditary Paraganglioma-Pheochromocytoma Syndrome. Identifiers: Orphanet 29072, MedGen C0031511, MONDO:0008233, OMIM 171300, HP:0002666.
Pheochromocytoma/paraganglioma syndrome 4. Also called: PARAGANGLIOMA, FAMILIAL MALIGNANT; PARAGANGLIOMAS, HEREDITARY EXTRAADRENAL; PHEOCHROMOCYTOMA, FAMILIAL EXTRAADRENAL; Paragangliomas 4; SDHB-Related Hereditary Paraganglioma-Pheochromocytoma Syndrome (Paragangliomas 4); SDHB-Related Hereditary Paraganglioma-Pheochromocytoma Syndrome. Identifiers: Orphanet 29072, MedGen C1861848, MONDO:0007273, OMIM 115310.

Submission:

Labcorp Genetics (formerly Invitae), Labcorp
Classification: Uncertain significance for Gastrointestinal stromal tumor; Pheochromocytoma/paraganglioma syndrome 4; Pheochromocytoma. Last evaluated: 2025-11-12. Review status: criteria provided, single submitter. Criteria: Invitae Variant Classification Sherloc (09022015). Collection method: clinical testing. Allele origin: germline.
Comment: This sequence change replaces leucine, which is neutral and non-polar, with phenylalanine, which is neutral and non-polar, at codon 13 of the SDHB protein (p.Leu13Phe). This variant is not present in population databases (gnomAD no frequency). This variant has not been reported in the literature in individuals affected with SDHB-related conditions. ClinVar contains an entry for this variant (Variation ID: 239431). Invitae Evidence Modeling of protein sequence and biophysical properties (such as structural, functional, and spatial information, amino acid conservation, physicochemical variation, residue mobility, and thermodynamic stability) indicates that this missense variant is not expected to disrupt SDHB protein function with a negative predictive value of 95%. In summary, the available evidence is currently insufficient to determine the role of this variant in disease. Therefore, it has been classified as a Variant of Uncertain Significance.